The following is an entry in ClinVar:

NM_000143.4(FH):c.531C>T (p.Pro177=)

Gene: FH (fumarate hydratase; minus strand). Cytogenetic location: 1q43.
Variant type: single nucleotide variant.
Coding change: c.531C>T on transcript NM_000143.4 (MANE Select); coding-DNA position 531, C replaced by T.
Protein change: p.Pro177=; no amino-acid change (proline 177 retained).
Molecular consequence: synonymous variant.
Genome position (GRCh38, 1-based): chr1:241,511,991, G>A on the plus strand (C>T on the coding strand, the complement: FH is on the minus strand). VCF-style: chr1-241511991-G-A. GRCh37 (hg19) VCF-style: chr1-241675291-G-A.
Identifiers: ClinVar variation 3773137 (VCV003773137.1).

ClinVar aggregate classification (germline): Benign (1 of 4 stars; one submission).

Conditions:
Hereditary leiomyomatosis and renal cell cancer. Also called: MULTIPLE CUTANEOUS AND UTERINE LEIOMYOMATA 1, WITH OR WITHOUT RENAL CELL CARCINOMA; LEIOMYOMA, MULTIPLE CUTANEOUS; FH tumor predisposition syndrome; Reed syndrome; Multiple cutaneous and uterine leiomyomatosis; Cutaneous leiomyomata with uterine leiomyomata. Identifiers: Orphanet 523, MedGen C1708350, MONDO:0007888, OMIM 150800, HP:0007437. Disease mechanism: loss of function.

Submission:

Myriad Genetics, Inc.
Classification: Benign for Hereditary leiomyomatosis and renal cell cancer. Last evaluated: 2024-10-18. Review status: criteria provided, single submitter. Criteria: Myriad Autosomal Dominant, Autosomal Recessive and X-Linked Classification Criteria (2023). Collection method: clinical testing. Allele origin: unknown.
Comment: This variant is considered benign. This variant is a silent/synonymous amino acid change and it is not expected to impact splicing.